The following is an entry in ClinVar:

ClinVar aggregate classification (germline): Uncertain significance. Review status: criteria provided, multiple submitters, no conflicts (2 of 4 stars). 2 submissions from 2 submitters: Uncertain significance (2). Last evaluated 2025-09-22.

Conditions:
Inborn genetic diseases. Identifiers: MedGen C0950123, MeSH D030342.

Allele frequency attached by ClinVar (database versions not stated): gnomAD 0.00001; gnomAD exomes 0.00001; TOPMed 0.00001.
gnomAD v4.1: 11 of 1,613,124 alleles (0.00068%); highest among the groups gnomAD compares: Middle Eastern, 0.016%; no homozygotes.

Submissions (2):

Ambry Genetics
Classification: Uncertain significance for Inborn genetic diseases. Last evaluated: 2025-09-22. Review status: criteria provided, single submitter. Criteria: Ambry Variant Classification Scheme 2023. Collection method: clinical testing. Allele origin: germline.

Labcorp Genetics (formerly Invitae), Labcorp
Classification: Uncertain significance. Last evaluated: 2022-07-05. Review status: criteria provided, single submitter. Criteria: Invitae Variant Classification Sherloc (09022015). Collection method: clinical testing. Allele origin: germline.
Comment: In summary, the available evidence is currently insufficient to determine the role of this variant in disease. Therefore, it has been classified as a Variant of Uncertain Significance. Algorithms developed to predict the effect of missense changes on protein structure and function are either unavailable or do not agree on the potential impact of this missense change (SIFT: "Deleterious"; PolyPhen-2: "Possibly Damaging"; Align-GVGD: "Class C0"). This sequence change replaces isoleucine, which is neutral and non-polar, with methionine, which is neutral and non-polar, at codon 798 of the ORC1 protein (p.Ile798Met). This variant is not present in population databases (gnomAD no frequency). This variant has not been reported in the literature in individuals affected with ORC1-related conditions. ClinVar contains an entry for this variant (Variation ID: 1384503).

NM_004153.4(ORC1):c.2394A>G (p.Ile798Met)

Gene: ORC1 (origin recognition complex subunit 1; minus strand). Cytogenetic location: 1p32.3.
Variant type: single nucleotide variant.
Coding change: c.2394A>G on transcript NM_004153.4 (MANE Select); coding-DNA position 2394, A replaced by G.
Protein change: p.Ile798Met; replaces isoleucine 798 with methionine.
Molecular consequence: missense variant.
Genome position (GRCh38, 1-based): chr1:52,373,373, T>C on the plus strand (A>G on the coding strand, the complement: ORC1 is on the minus strand). VCF-style: chr1-52373373-T-C. GRCh37 (hg19) VCF-style: chr1-52839045-T-C.
Other names: c.2394A>G (NM_004153.3); c.2394A>G, p.Ile798Met (NM_001190818.2); c.2379A>G, p.Ile793Met (NM_001190819.2); short protein forms I793M, I798M.
Identifiers: ClinVar variation 1384503 (VCV001384503.7), dbSNP rs776906781, ClinGen allele CA22500549.